The following is an entry in ClinVar:

Conditions:
Complex neurodevelopmental disorder. Identifiers: Orphanet 528084, MedGen C5568766, MONDO:0100038.

Submission:

Channelopathy-Associated Epilepsy Research Center
No classification provided (evidence only). Condition: Complex neurodevelopmental disorder. Review status: no classification provided. Collection method: literature only. Allele origin: not applicable. Functional consequence: Absence of peak current.
ClinVar note: "not provided" was previously submitted as the classification for the variant. However, the classification appeared to be based only on an observation of functional data so it was converted to no classification on 2025-07-30.

Literature cited by the submitters: PubMed 34431999.

NM_001330260.2(SCN8A):c.4961T>A (p.Ile1654Asn)

Gene: SCN8A (sodium voltage-gated channel alpha subunit 8; plus strand). Cytogenetic location: 12q13.13.
Variant type: single nucleotide variant.
Coding change: c.4961T>A on transcript NM_001330260.2 (MANE Select); coding-DNA position 4961, T replaced by A.
Protein change: p.Ile1654Asn; replaces isoleucine 1654 with asparagine.
Molecular consequence: missense variant.
Genome position (GRCh38, 1-based): chr12:51,806,447, T>A. VCF-style: chr12-51806447-T-A. GRCh37 (hg19) VCF-style: chr12-52200231-T-A.
Other names: c.4838T>A, p.Ile1613Asn (NM_001177984.3, NM_001369788.1); c.4961T>A, p.Ile1654Asn (NM_014191.4); c.4961T>A (NM_014191.3); short protein forms I1613N, I1654N.
Identifiers: ClinVar variation 3067141 (VCV003067141.2), dbSNP rs2540333905, ClinGen allele CA384880702.
Genomic context (GRCh38, chr12:51,806,447, plus strand): 5'-CCAAAGGGATTCGTACCCTGCTCTTTGCCTTAATGATGTCCTTGCCTGCCCTGTTCAACA[T>A]CGGCCTTCTGCTCTTCCTGGTCATGTTCATCTTCTCCATTTTTGGGATGTCCAATTTTGC-3'
Protein context (NP_001317189.1, residues 1644-1664): LMMSLPALFN[Ile1654Asn]GLLLFLVMFI